The following is an entry in ClinVar:

ClinVar aggregate classification (germline): Uncertain significance (1 of 4 stars; one submission).

Allele frequency attached by ClinVar (database versions not stated): gnomAD exomes below 0.00001.

Submission:

Labcorp Genetics (formerly Invitae), Labcorp
Classification: Uncertain significance. Last evaluated: 2022-09-14. Review status: criteria provided, single submitter. Criteria: Invitae Variant Classification Sherloc (09022015). Collection method: clinical testing. Allele origin: germline.
Comment: This variant has not been reported in the literature in individuals affected with DSG1-related conditions. This sequence change replaces valine, which is neutral and non-polar, with isoleucine, which is neutral and non-polar, at codon 115 of the DSG1 protein (p.Val115Ile). This variant is not present in population databases (gnomAD no frequency). Advanced modeling of protein sequence and biophysical properties (such as structural, functional, and spatial information, amino acid conservation, physicochemical variation, residue mobility, and thermodynamic stability) has been performed at Invitae for this missense variant, however the output from this modeling did not meet the statistical confidence thresholds required to predict the impact of this variant on DSG1 protein function. In summary, the available evidence is currently insufficient to determine the role of this variant in disease. Therefore, it has been classified as a Variant of Uncertain Significance.

NM_001942.4(DSG1):c.343G>A (p.Val115Ile)

Gene: DSG1 (desmoglein 1; plus strand). Cytogenetic location: 18q12.1.
Variant type: single nucleotide variant.
Coding change: c.343G>A on transcript NM_001942.4 (MANE Select); coding-DNA position 343, G replaced by A.
Protein change: p.Val115Ile; replaces valine 115 with isoleucine.
Molecular consequence: missense variant.
Genome position (GRCh38, 1-based): chr18:31,328,315, G>A. VCF-style: chr18-31328315-G-A. GRCh37 (hg19) VCF-style: chr18-28908278-G-A.
Other names: short protein forms V115I.
Identifiers: ClinVar variation 1925215 (VCV001925215.5), dbSNP rs2511043980, ClinGen allele CA402128283.
Genomic context (GRCh38, chr18:31,328,315, plus strand): 5'-CCACCATATGGGATCTTTGTCATTAATCAGAAAACTGGTGAAATTAATATAACATCCATA[G>A]TTGATCGAGAGGTCACTCCTTTCTTCATTGTAAGTGGACTTCATGTCAATATATATGTTC-3'
Protein context (NP_001933.2, residues 105-125): KTGEINITSI[Val115Ile]DREVTPFFII